The following is an entry in ClinVar:

ClinVar aggregate classification (germline): Conflicting classifications of pathogenicity. Review status: criteria provided, conflicting classifications (1 of 4 stars). 5 submissions from 5 submitters: Uncertain significance (3); Likely benign (2). Last evaluated 2026-01-19.

Conditions:
Febrile seizures, familial, 4 (FEB4). Also called: CONVULSIONS, FAMILIAL FEBRILE, 4. Identifiers: MedGen C1858493, MONDO:0011443, OMIM 604352.
Usher syndrome type 2C. Also called: USHER SYNDROME, TYPE IIC; Usher syndrome, type 2B. Identifiers: Orphanet 231178, Orphanet 886, MedGen C2931213, MONDO:0011558, OMIM 605472.

Allele frequency attached by ClinVar (database versions not stated): ExAC 0.00015; gnomAD exomes 0.00015 and 0.00020; TOPMed 0.00015; 1000 Genomes Project 30x 0.00016; ESP Exome Variant Server 0.00017; gnomAD 0.00019 and 0.00020; 1000 Genomes Project 0.00020.
gnomAD v4.1: 320 of 1,604,040 alleles (0.02%); highest among the groups gnomAD compares: Non-Finnish European, 0.025%; no homozygotes.

Submissions (5):

Labcorp Genetics (formerly Invitae), Labcorp
Classification: Likely benign. Last evaluated: 2026-01-19. Review status: criteria provided, single submitter. Criteria: Invitae Variant Classification Sherloc (09022015). Collection method: clinical testing. Allele origin: germline.

GeneDx
Classification: Uncertain significance. Last evaluated: 2025-07-15. Review status: criteria provided, single submitter. Criteria: GeneDx Variant Classification Process June 2021. Collection method: clinical testing. Allele origin: germline.
Comment: In silico analysis supports that this missense variant has a deleterious effect on protein structure/function; Has not been previously published as pathogenic or benign to our knowledge

CeGaT Center for Human Genetics Tuebingen
Classification: Uncertain significance. Last evaluated: 2025-05-01. Review status: criteria provided, single submitter. Criteria: CeGaT Center For Human Genetics Tuebingen Variant Classification Criteria Version 2. Collection method: clinical testing. Allele origin: germline. Affected: yes. Observed: 1 variant allele.
Comment: ADGRV1: PM2, BP4

Blueprint Genetics
Classification: Likely benign. Last evaluated: 2024-09-03. Review status: criteria provided, single submitter. Criteria: ACMG Guidelines, 2015. Collection method: clinical testing. Allele origin: germline.

Fulgent Genetics
Classification: Uncertain significance for Febrile seizures, familial, 4; Usher syndrome type 2C. Last evaluated: 2022-04-15. Review status: criteria provided, single submitter. Criteria: ACMG Guidelines, 2015. Collection method: clinical testing. Allele origin: unknown.

NM_032119.4(ADGRV1):c.2974A>G (p.Thr992Ala)

Gene: ADGRV1 (adhesion G protein-coupled receptor V1; plus strand). Cytogenetic location: 5q14.3.
Variant type: single nucleotide variant.
Coding change: c.2974A>G on transcript NM_032119.4 (MANE Select); coding-DNA position 2974, A replaced by G.
Protein change: p.Thr992Ala; replaces threonine 992 with alanine.
Molecular consequence: missense variant. On other transcripts: non-coding transcript variant (1).
Genome position (GRCh38, 1-based): chr5:90,646,043, A>G. VCF-style: chr5-90646043-A-G. GRCh37 (hg19) VCF-style: chr5-89941860-A-G.
Other names: short protein forms T992A.
Identifiers: ClinVar variation 849624 (VCV000849624.21), dbSNP rs368163419, ClinGen allele CA3339075.